The following is an entry in ClinVar:

NM_021942.6(TRAPPC11):c.2095G>A (p.Val699Met)

Gene: TRAPPC11 (trafficking protein particle complex subunit 11; plus strand). Cytogenetic location: 4q35.1.
Variant type: single nucleotide variant.
Coding change: c.2095G>A on transcript NM_021942.6 (MANE Select); coding-DNA position 2095, G replaced by A.
Protein change: p.Val699Met; replaces valine 699 with methionine.
Molecular consequence: missense variant.
Genome position (GRCh38, 1-based): chr4:183,693,005, G>A. VCF-style: chr4-183693005-G-A. GRCh37 (hg19) VCF-style: chr4-184614158-G-A.
Other names: c.2095G>A, p.Val699Met (NM_199053.3); short protein forms V699M.
Identifiers: ClinVar variation 1054040 (VCV001054040.6), dbSNP rs376585316, ClinGen allele CA3152106.

ClinVar aggregate classification (germline): Uncertain significance (1 of 4 stars; one submission).

Conditions:
Autosomal recessive limb-girdle muscular dystrophy type R18 (LGMDR18). Also called: Autosomal recessive limb-girdle muscular dystrophy type 2S; Limb-girdle muscular dystrophy, type 2S; MUSCULAR DYSTROPHY, LIMB-GIRDLE, AUTOSOMAL RECESSIVE 18. Identifiers: Orphanet 369840, MedGen C4517996, MONDO:0014144, OMIM 615356.

Allele frequency attached by ClinVar (database versions not stated): ExAC 0.00001; gnomAD 0.00001; gnomAD exomes 0.00001; TOPMed 0.00002; ESP Exome Variant Server 0.00008.
gnomAD v4.1: 16 of 1,613,618 alleles (0.00099%); highest among the groups gnomAD compares: Non-Finnish European, 0.0014%; no homozygotes.

Submission:

Labcorp Genetics (formerly Invitae), Labcorp
Classification: Uncertain significance for Autosomal recessive limb-girdle muscular dystrophy type R18. Last evaluated: 2022-07-26. Review status: criteria provided, single submitter. Criteria: Invitae Variant Classification Sherloc (09022015). Collection method: clinical testing. Allele origin: germline.
Comment: This sequence change replaces valine, which is neutral and non-polar, with methionine, which is neutral and non-polar, at codon 699 of the TRAPPC11 protein (p.Val699Met). This variant is present in population databases (rs376585316, gnomAD 0.002%). This variant has not been reported in the literature in individuals affected with TRAPPC11-related conditions. ClinVar contains an entry for this variant (Variation ID: 1054040). Algorithms developed to predict the effect of missense changes on protein structure and function are either unavailable or do not agree on the potential impact of this missense change (SIFT: "Deleterious"; PolyPhen-2: "Possibly Damaging"; Align-GVGD: "Class C0"). In summary, the available evidence is currently insufficient to determine the role of this variant in disease. Therefore, it has been classified as a Variant of Uncertain Significance.